The following is an entry in ClinVar:

NM_006593.4(TBR1):c.1624C>G (p.Pro542Ala)

Genes: TBR1 (T-box brain transcription factor 1; plus strand), LOC129935026 (ATAC-STARR-seq lymphoblastoid silent region 12060; plus strand). Cytogenetic location: 2q24.2.
Variant type: single nucleotide variant.
Coding change: c.1624C>G on transcript NM_006593.4 (MANE Select); coding-DNA position 1624, C replaced by G.
Protein change: p.Pro542Ala; replaces proline 542 with alanine.
Molecular consequence: missense variant.
Genome position (GRCh38, 1-based): chr2:161,423,802, C>G. VCF-style: chr2-161423802-C-G. GRCh37 (hg19) VCF-style: chr2-162280313-C-G.
Other names: short protein forms P542A.
Identifiers: ClinVar variation 2501997 (VCV002501997.1), dbSNP rs2468100033, ClinGen allele CA349214106.

ClinVar aggregate classification (germline): Uncertain significance (1 of 4 stars; one submission).

gnomAD v4.1: 2 of 1,477,426 alleles (0.00014%); highest among the groups gnomAD compares: Non-Finnish European, 0.00018%; no homozygotes.

Submission:

GeneDx
Classification: Uncertain significance. Last evaluated: 2022-11-09. Review status: criteria provided, single submitter. Criteria: GeneDx Variant Classification Process June 2021. Collection method: clinical testing. Allele origin: germline. Affected: yes.
Comment: Not observed at significant frequency in large population cohorts (gnomAD); In silico analysis supports that this missense variant has a deleterious effect on protein structure/function; Has not been previously published as pathogenic or benign to our knowledge